The following is an entry in ClinVar:

NM_033305.3(VPS13A):c.7536T>G (p.Tyr2512Ter)

Gene: VPS13A (vacuolar protein sorting 13 homolog A; plus strand). Cytogenetic location: 9q21.2.
Variant type: single nucleotide variant.
Coding change: c.7536T>G on transcript NM_033305.3 (MANE Select); coding-DNA position 7536, T replaced by G.
Protein change: p.Tyr2512Ter; replaces tyrosine 2512 with a stop codon.
Molecular consequence: nonsense.
Genome position (GRCh38, 1-based): chr9:77,353,525, T>G. VCF-style: chr9-77353525-T-G. GRCh37 (hg19) VCF-style: chr9-79968441-T-G.
Other names: c.7419T>G, p.Tyr2473Ter (NM_001018037.2); c.7536T>G, p.Tyr2512Ter (NM_001018038.3, NM_015186.4); short protein forms Y2473*, Y2512*.
Identifiers: ClinVar variation 5013837 (VCV005013837.1).

ClinVar aggregate classification (germline): Pathogenic (1 of 4 stars; one submission).

Conditions:
VPS13A-related neurodegenerative disease. Also called: ACANTHOCYTOSIS WITH NEUROLOGIC DISORDER; LEVINE-CRITCHLEY SYNDROME; Choreoacanthocytosis; Chorea-acanthocytosis; Choreaacanthocytosis; VPS13A Disease. Identifiers: Orphanet 2388, MedGen C0393576, MONDO:0008695, OMIM 200150.

Submission:

Myriad Genetics, Inc.
Classification: Pathogenic for VPS13A-related neurodegenerative disease. Last evaluated: 2024-12-05. Review status: criteria provided, single submitter. Criteria: Myriad Autosomal Dominant, Autosomal Recessive and X-Linked Classification Criteria (2023). Collection method: clinical testing. Allele origin: unknown.
Comment: NM_033305.2(VPS13A):c.7536T>G(Y2512*) is expected to be pathogenic in the context of VPS13A disease. This variant is predicted to lead to an abnormal or absent protein product due to the creation of a premature termination codon in VPS13A, a gene where loss-of-function variants are known to be pathogenic. Please note: this variant was assessed in the context of healthy population screening.